The following is an entry in ClinVar:

ClinVar aggregate classification (germline): Likely pathogenic (1 of 4 stars; one submission).

Conditions:
Hereditary sensory and autonomic neuropathy type 6. Also called: HSAN VI; Neuropathy, hereditary sensory and autonomic, type VI. Identifiers: Orphanet 314381, MedGen C3539003, MONDO:0013839, OMIM 614653.
Epidermolysis bullosa simplex 3, localized or generalized intermediate, with BP230 deficiency (EBS3). Also called: Epidermolysis bullosa simplex, autosomal recessive 2; Epidermolysis bullosa simplex due to BP230 deficiency. Identifiers: Orphanet 412181, MedGen C3809470, MONDO:0014180, OMIM 615425.

Submission:

Labcorp Genetics (formerly Invitae), Labcorp
Classification: Likely pathogenic for Epidermolysis bullosa simplex 3, localized or generalized intermediate, with BP230 deficiency; Hereditary sensory and autonomic neuropathy type 6. Last evaluated: 2021-07-28. Review status: criteria provided, single submitter. Criteria: Invitae Variant Classification Sherloc (09022015). Collection method: clinical testing. Allele origin: germline.
Comment: In summary, the currently available evidence indicates that the variant is pathogenic, but additional data are needed to prove that conclusively. Therefore, this variant has been classified as Likely Pathogenic. Algorithms developed to predict the effect of sequence changes on RNA splicing suggest that this variant may disrupt the consensus splice site. Disruption of this splice site has been observed in individual(s) with clinical features of hereditary sensory and autonomic neuropathy (Invitae). This variant is not present in population databases (ExAC no frequency). This sequence change affects an acceptor splice site in intron 82 of the DST gene. The DST gene has multiple clinically relevant transcripts. This variant occurs in alternate transcript NM_015548.4, and corresponds to NM_001723.5:c.*155261A>G in the primary transcript. It is expected to disrupt RNA splicing. Variants that disrupt the donor or acceptor splice site typically lead to a loss of protein function (PMID: 16199547), and loss-of-function variants in DST are known to be pathogenic (PMID: 22522446, 25059916, 30371979).

Literature cited by the submitters: PubMed 16199547; PubMed 22522446; PubMed 25059916; PubMed 30371979.

NM_001374736.1(DST):c.23071-2A>G

Gene: DST (dystonin; minus strand). Cytogenetic location: 6p12.1.
Variant type: single nucleotide variant.
Coding change: c.23071-2A>G on transcript NM_001374736.1 (MANE Select); the canonical splice acceptor site of the intron before coding-DNA position 23071, A replaced by G.
Molecular consequence: splice acceptor variant.
Genome position (GRCh38, 1-based): chr6:56,460,256, T>C on the plus strand (A>G on the coding strand, the complement: DST is on the minus strand). VCF-style: chr6-56460256-T-C. GRCh37 (hg19) VCF-style: chr6-56325054-T-C.
Other names: c.16642-2A>G (NM_001144769.5); c.22999-2A>G (NM_001374722.1); c.23026-2A>G (NM_001374734.1); c.16228-2A>G (NM_001144770.2); c.15742-2A>G (NM_001374730.1); c.16090-2A>G (NM_001386100.1); c.16108-2A>G (NM_183380.4); c.22000-2A>G (NM_001374729.1); and 1 more.
Identifiers: ClinVar variation 1475352 (VCV001475352.6), dbSNP rs2152370482, ClinGen allele CA364503909.